The following is an entry in ClinVar:

NM_020458.4(TTC7A):c.2023C>T (p.Arg675Trp)

Gene: TTC7A (tetratricopeptide repeat domain 7A; plus strand). Cytogenetic location: 2p21.
Variant type: single nucleotide variant.
Coding change: c.2023C>T on transcript NM_020458.4 (MANE Select); coding-DNA position 2023, C replaced by T.
Protein change: p.Arg675Trp; replaces arginine 675 with tryptophan.
Molecular consequence: missense variant.
Genome position (GRCh38, 1-based): chr2:47,051,751, C>T. VCF-style: chr2-47051751-C-T. GRCh37 (hg19) VCF-style: chr2-47278890-C-T.
Other names: c.2095C>T, p.Arg699Trp (NM_001288951.2); c.1921C>T, p.Arg641Trp (NM_001288953.2); c.961C>T, p.Arg321Trp (NM_001288955.2); short protein forms R321W, R641W, R675W, R699W.
Identifiers: ClinVar variation 1014227 (VCV001014227.7), dbSNP rs767059858, ClinGen allele CA1647982.

ClinVar aggregate classification (germline): Uncertain significance (1 of 4 stars; one submission).

Conditions:
Multiple gastrointestinal atresias. Also called: Multiple intestinal atresia; FAMILIAL INTESTINAL POLYATRESIA SYNDROME. Identifiers: Orphanet 2300, MedGen C0220744, MONDO:0009465.

Allele frequency attached by ClinVar (database versions not stated): gnomAD 0.00001; gnomAD exomes 0.00001; TOPMed 0.00001; ExAC 0.00002.
gnomAD v4.1: 11 of 1,609,386 alleles (0.00068%); highest among the groups gnomAD compares: South Asian, 0.0033%; no homozygotes.

Submission:

Labcorp Genetics (formerly Invitae), Labcorp
Classification: Uncertain significance for Multiple gastrointestinal atresias. Last evaluated: 2024-01-08. Review status: criteria provided, single submitter. Criteria: Invitae Variant Classification Sherloc (09022015). Collection method: clinical testing. Allele origin: germline.
Comment: This sequence change replaces arginine, which is basic and polar, with tryptophan, which is neutral and slightly polar, at codon 675 of the TTC7A protein (p.Arg675Trp). This variant is present in population databases (rs767059858, gnomAD 0.007%). This variant has not been reported in the literature in individuals affected with TTC7A-related conditions. ClinVar contains an entry for this variant (Variation ID: 1014227). Advanced modeling of protein sequence and biophysical properties (such as structural, functional, and spatial information, amino acid conservation, physicochemical variation, residue mobility, and thermodynamic stability) performed at Invitae indicates that this missense variant is not expected to disrupt TTC7A protein function with a negative predictive value of 80%. In summary, the available evidence is currently insufficient to determine the role of this variant in disease. Therefore, it has been classified as a Variant of Uncertain Significance.